The following is an entry in ClinVar:

ClinVar aggregate classification (germline): Likely benign. Review status: criteria provided, multiple submitters, no conflicts (2 of 4 stars). 2 submissions from 2 submitters: Likely benign (2). Last evaluated 2022-11-25.

Allele frequency attached by ClinVar (database versions not stated): gnomAD exomes below 0.00001.
gnomAD v4.1: 2 of 1,613,294 alleles (0.00012%); highest among the groups gnomAD compares: Non-Finnish European, 0.00017%; no homozygotes.

Submissions (2):

Blueprint Genetics
Classification: Likely benign. Last evaluated: 2022-11-25. Review status: criteria provided, single submitter. Criteria: ACMG Guidelines, 2015. Collection method: clinical testing. Allele origin: germline.

GeneDx
Classification: Likely benign. Last evaluated: 2016-12-12. Review status: criteria provided, single submitter. Criteria: GeneDx Variant Classification (06012015). Collection method: clinical testing. Allele origin: germline. Affected: yes.
Comment: This variant is considered likely benign or benign based on one or more of the following criteria: it is a conservative change, it occurs at a poorly conserved position in the protein, it is predicted to be benign by multiple in silico algorithms, and/or has population frequency not consistent with disease.

NM_001286577.2(C2CD3):c.5362-4A>G

Gene: C2CD3 (C2 domain containing 3 centriole elongation regulator; minus strand). Cytogenetic location: 11q13.4.
Variant type: single nucleotide variant.
Coding change: c.5362-4A>G on transcript NM_001286577.2 (MANE Select); 4 bases into the intron before coding-DNA position 5362, A replaced by G.
Molecular consequence: intron variant.
Genome position (GRCh38, 1-based): chr11:74,048,342, T>C on the plus strand (A>G on the coding strand, the complement: C2CD3 is on the minus strand). VCF-style: chr11-74048342-T-C. GRCh37 (hg19) VCF-style: chr11-73759387-T-C.
Other names: c.5362-4A>G (NM_015531.6).
Identifiers: ClinVar variation 391297 (VCV000391297.2), dbSNP rs1057524026, ClinGen allele CA16607012.
Genomic context (GRCh38, chr11:74,048,342, plus strand): 5'-GGAGAATGCAGCATACGTATCAGAGGCAGGGAAGGAAAAGGGACTGTATATTGGGATCTG[T>C]AAACACAACAAGAAAAATGGTACACTTGTCACCATAAACCCATTCGTAACAAAGCAGTAT-3'